The following is an entry in ClinVar:

ClinVar aggregate classification (germline): Conflicting classifications of pathogenicity. Review status: criteria provided, conflicting classifications (1 of 4 stars). 5 submissions from 5 submitters: Uncertain significance (2); Likely benign (3). Last evaluated 2024-02-09.

Conditions:
Hereditary breast ovarian cancer syndrome. Also called: Hereditary breast and ovarian cancer syndrome; Hereditary breast and/or ovarian cancer syndrome; BRCA1- and BRCA2-Associated Hereditary Breast and Ovarian Cancer; Hereditary breast and ovarian cancer syndrome (HBOC); Hereditary breast and ovarian cancer; Breast and ovarian cancer. Identifiers: Orphanet 145, MedGen C0677776, MeSH D061325, MONDO:0003582. Disease mechanism: loss of function.
Hereditary cancer-predisposing syndrome. Also called: Hereditary neoplastic syndrome; Neoplastic Syndromes, Hereditary; Tumor predisposition; Hereditary Cancer Syndrome. Identifiers: Orphanet 140162, MedGen C0027672, MeSH D009386, MONDO:0015356.
Breast-ovarian cancer, familial, susceptibility to, 2 (BROVCA2). Also called: BRCA2 Hereditary Breast and Ovarian Cancer. Identifiers: Orphanet 145, MedGen C2675520, MONDO:0012933, OMIM 612555. Disease mechanism: loss of function.
Familial cancer of breast. Also called: Hereditary breast cancer; hereditary breast carcinoma; BREAST CANCER, FAMILIAL. Identifiers: Orphanet 227535, MedGen C0346153, MONDO:0016419, OMIM 114480. Disease mechanism: loss of function.

Allele frequency attached by ClinVar (database versions not stated): gnomAD exomes below 0.00001.
gnomAD v4.1: 1 of 1,592,048 alleles (0.000063%); highest among the groups gnomAD compares: South Asian, 0.0012%; no homozygotes.

Submissions (5):

MGZ Medical Genetics Center
Classification: Likely benign for Familial cancer of breast. Last evaluated: 2024-02-09. Review status: criteria provided, single submitter. Criteria: CSpec BRCA1/2ACMG Rules Specifications V1.1.0. Collection method: clinical testing. Allele origin: germline. Affected: yes.
Comment: ACMG codes applied following ENIGMA VCEP rules: BP1_STR, PM2_SUP

University of Washington Department of Laboratory Medicine, University of Washington
Classification: Likely benign for Hereditary cancer-predisposing syndrome. Last evaluated: 2023-03-23. Review status: criteria provided, single submitter. Criteria: Dines et al. (Genet Med. 2020). Collection method: curation. Allele origin: germline.
Comment: Missense variant in a coldspot region where missense variants are very unlikely to be pathogenic (PMID:31911673).

BRCA2 exon 11 coldspot. Reclassification based on statistical prior probability.

Ambry Genetics
Classification: Uncertain significance for Hereditary cancer-predisposing syndrome. Last evaluated: 2023-03-20. Review status: criteria provided, single submitter. Criteria: Ambry Variant Classification Scheme 2023. Collection method: clinical testing. Allele origin: germline.
Comment: The p.R1694K variant (also known as c.5081G>A), located in coding exon 10 of the BRCA2 gene, results from a G to A substitution at nucleotide position 5081. The arginine at codon 1694 is replaced by lysine, an amino acid with highly similar properties. This amino acid position is not well conserved in available vertebrate species. In addition, this alteration is predicted to be tolerated by in silico analysis. Since supporting evidence is limited at this time, the clinical significance of this alteration remains unclear.

Genetics and Molecular Pathology, SA Pathology
Classification: Likely benign for Breast-ovarian cancer, familial, susceptibility to, 2. Last evaluated: 2021-06-25. Review status: criteria provided, single submitter. Criteria: ACMG Guidelines, 2015. Collection method: clinical testing. Allele origin: germline. Affected: yes.
Comment: The BRCA2 c.5081G>A variant is classified as Likely Benign (BP1, BP4) The BRCA2 c.5081G>A variant is a single nucleotide change in the BRCA2 gene, which is predicted to change the amino acid arginine at position 1694 in the protein to lysine. Disease causing variants in BRCA2 are predominantly trucating variants and this variant is a missense variant (BP1). Multiple lines of computational evidence suggest this variant has no impact on the gene or gene product (BP4). The variant has been reported as Uncertain significance by other diagnostic laboratories (ClinVar Variation ID: 409591). It has not been reported in dbSNP or HGMD.

Labcorp Genetics (formerly Invitae), Labcorp
Classification: Uncertain significance for Hereditary breast ovarian cancer syndrome. Last evaluated: 2016-08-12. Review status: criteria provided, single submitter. Criteria: Invitae Variant Classification Sherloc (09022015). Collection method: clinical testing. Allele origin: germline.
Comment: This sequence change replaces arginine with lysine at codon 1694 of the BRCA2 protein (p.Arg1694Lys). The arginine residue is weakly conserved and there is a small physicochemical difference between arginine and lysine. In summary, this variant is a novel missense change that is not predicted to affect protein function. There is no indication that it causes disease, but the available evidence is currently insufficient to prove that conclusively. Therefore, it has been classified as a Variant of Uncertain Significance. Algorithms developed to predict the effect of missense changes on protein structure and function output the following: (SIFT: "Tolerated"; PolyPhen-2: "Benign"; Align-GVGD: "Class C0"). The lysine amino acid residue is also found in multiple mammalian species, suggesting that this missense change does not adversely affect protein function. These predictions have not been confirmed by published functional studies. This variant is not present in population databases (ExAC no frequency) and has not been reported in the literature in individuals with a BRCA2-related disease.

NM_000059.4(BRCA2):c.5081G>A (p.Arg1694Lys)

Gene: BRCA2 (BRCA2 DNA repair associated; plus strand). Cytogenetic location: 13q13.1.
Variant type: single nucleotide variant.
Coding change: c.5081G>A on transcript NM_000059.4 (MANE Select); coding-DNA position 5081, G replaced by A.
Protein change: p.Arg1694Lys; replaces arginine 1694 with lysine.
Molecular consequence: missense variant.
Genome position (GRCh38, 1-based): chr13:32,339,436, G>A. VCF-style: chr13-32339436-G-A. GRCh37 (hg19) VCF-style: chr13-32913573-G-A.
Other names: short protein forms R1694K.
Identifiers: ClinVar variation 409591 (VCV000409591.17), dbSNP rs753721331, ClinGen allele CA16614170.
Genomic context (GRCh38, chr13:32,339,436, plus strand): 5'-GTTGTAGTAGAAAAACTTCTGTGAGTCAGACTTCATTACTTGAAGCAAAAAAATGGCTTA[G>A]AGAAGGAATATTTGATGGTCAACCAGAAAGAATAAATACTGCAGATTATGTAGGAAATTA-3'
Protein context (NP_000050.3, residues 1684-1704): TSLLEAKKWL[Arg1694Lys]EGIFDGQPER